The following is an entry in ClinVar:

NM_014915.3(ANKRD26):c.1768A>G (p.Thr590Ala)

Gene: ANKRD26 (ankyrin repeat domain 26; minus strand). Cytogenetic location: 10p12.1.
Variant type: single nucleotide variant.
Coding change: c.1768A>G on transcript NM_014915.3 (MANE Select); coding-DNA position 1768, A replaced by G.
Protein change: p.Thr590Ala; replaces threonine 590 with alanine.
Molecular consequence: missense variant.
Genome position (GRCh38, 1-based): chr10:27,048,847, T>C on the plus strand (A>G on the coding strand, the complement: ANKRD26 is on the minus strand). VCF-style: chr10-27048847-T-C. GRCh37 (hg19) VCF-style: chr10-27337776-T-C.
Other names: c.1768A>G, p.Thr590Ala (NM_001256053.2); short protein forms T590A.
Identifiers: ClinVar variation 4580369 (VCV004580369.1).

ClinVar aggregate classification (germline): Uncertain significance (1 of 4 stars; one submission).

Conditions:
Inborn genetic diseases. Identifiers: MedGen C0950123, MeSH D030342.

Submission:

Ambry Genetics
Classification: Uncertain significance for Inborn genetic diseases. Last evaluated: 2025-12-07. Review status: criteria provided, single submitter. Criteria: Ambry Variant Classification Scheme 2023. Collection method: clinical testing. Allele origin: germline.
Comment: The p.T590A variant (also known as c.1768A>G), located in coding exon 17 of the ANKRD26 gene, results from an A to G substitution at nucleotide position 1768. The threonine at codon 590 is replaced by alanine, an amino acid with similar properties. This amino acid position is conserved. In addition, this alteration is predicted to be tolerated by in silico analysis. Based on the available evidence, the clinical significance of this variant remains unclear.